The following is an entry in ClinVar:

ClinVar aggregate classification (germline): Likely pathogenic. Review status: criteria provided, single submitter (1 of 4 stars). 2 submissions from 2 submitters: Likely pathogenic (1). 1 of the submissions does not count toward it. Last evaluated 2025-07-03.

Conditions:
Deficiency of alpha-mannosidase (MANSA). Also called: LYSOSOMAL ALPHA-D-MANNOSIDASE DEFICIENCY; Mannosidosis, alpha-, types I and II; Alpha-Mannosidosis. Identifiers: Orphanet 61, MedGen C0024748, MONDO:0009561, OMIM 248500.

Submissions (2):

Women's Health and Genetics/Laboratory Corporation of America, LabCorp
Classification: Likely pathogenic for Deficiency of alpha-mannosidase. Last evaluated: 2025-07-03. Review status: criteria provided, single submitter. Criteria: LabCorp Variant Classification Summary - May 2015. Collection method: clinical testing. Allele origin: germline.
Comment: Variant summary: MAN2B1 c.1694T>C (p.Leu565Pro) results in a non-conservative amino acid change in the encoded protein sequence. Algorithms developed to predict the effect of missense changes on protein structure and function all suggest that this variant is likely to be disruptive. The variant was absent in 250934 control chromosomes. c.1694T>C has been observed in the presumed compound heterozygous state in at least 2 individual(s) affected with Alpha-Mannosidosis (example, Lipiski_2022). These data indicate that the variant may be associated with disease. At least one publication reports experimental evidence evaluating an impact on protein function. The most pronounced variant effect results in <10% of normal activity when in trans with a pathogenic missense in patient leukocytes, with other in vitro studies in multiple cell lines corroborating a deleterious impact when p.Leu565Pro is expressed alone (example, Lipiski_2022, Riise_2012, Kuokkanen_2011). ClinVar contains an entry for this variant (Variation ID: 208271). The following publications have been ascertained in the context of this evaluation (PMID: 22161967, 21505070, 25762455, 40126164, 35242565). Based on the evidence outlined above, the variant was classified as likely pathogenic.

ClinVar Staff, National Center for Biotechnology Information (NCBI)
Classification: Uncertain significance for Deficiency of alpha-mannosidase. Last evaluated: 2012-06-07. Review status: no assertion criteria provided. Collection method: literature only. Allele origin: germline. Affected: yes. Not counted in ClinVar's aggregate classification.

Literature cited by the submitters: PubMed 22161967 (cited by Women's Health and Genetics/Laboratory Corporation of America, LabCorp and ClinVar Staff, National Center for Biotechnology Information (NCBI)); PubMed 21505070 (cited by Women's Health and Genetics/Laboratory Corporation of America, LabCorp); PubMed 25762455 (cited by Women's Health and Genetics/Laboratory Corporation of America, LabCorp); PubMed 40126164 (cited by Women's Health and Genetics/Laboratory Corporation of America, LabCorp); PubMed 35242565 (cited by Women's Health and Genetics/Laboratory Corporation of America, LabCorp).

NM_000528.4(MAN2B1):c.1694T>C (p.Leu565Pro)

Gene: MAN2B1 (mannosidase alpha class 2B member 1; minus strand). Cytogenetic location: 19p13.13.
Variant type: single nucleotide variant.
Coding change: c.1694T>C on transcript NM_000528.4 (MANE Select); coding-DNA position 1694, T replaced by C.
Protein change: p.Leu565Pro; replaces leucine 565 with proline.
Molecular consequence: missense variant.
Genome position (GRCh38, 1-based): chr19:12,655,830, A>G on the plus strand (T>C on the coding strand, the complement: MAN2B1 is on the minus strand). VCF-style: chr19-12655830-A-G. GRCh37 (hg19) VCF-style: chr19-12766644-A-G.
Other names: c.1691T>C, p.Leu564Pro (NM_001173498.2); short protein forms L565P, L564P.
Identifiers: ClinVar variation 208271 (VCV000208271.3), dbSNP rs864621986, ClinGen allele CA350998.